The following is an entry in ClinVar:

NM_006218.4(PIK3CA):c.52C>T (p.Pro18Ser)

Gene: PIK3CA (phosphatidylinositol-4,5-bisphosphate 3-kinase catalytic subunit alpha; plus strand). Cytogenetic location: 3q26.32.
Variant type: single nucleotide variant.
Coding change: c.52C>T on transcript NM_006218.4 (MANE Select); coding-DNA position 52, C replaced by T.
Protein change: p.Pro18Ser; replaces proline 18 with serine.
Molecular consequence: missense variant.
Genome position (GRCh38, 1-based): chr3:179,198,877, C>T. VCF-style: chr3-179198877-C-T. GRCh37 (hg19) VCF-style: chr3-178916665-C-T.
Other names: short protein forms P18S.
Identifiers: ClinVar variation 2567737 (VCV002567737.2), dbSNP rs1178810605, ClinGen allele CA355270638.
Genomic context (GRCh38, chr3:179,198,877, plus strand): 5'-ATCAGAACAATGCCTCCACGACCATCATCAGGTGAACTGTGGGGCATCCACTTGATGCCC[C>T]CAAGAATCCTAGTAGAATGTTTACTACCAAATGGAATGATAGTGACTTTAGAATGCCTCC-3'
Protein context (NP_006209.2, residues 8-28): GELWGIHLMP[Pro18Ser]RILVECLLPN

ClinVar aggregate classification (germline): Uncertain significance (1 of 4 stars; one submission).

Conditions:
Inborn genetic diseases. Identifiers: MedGen C0950123, MeSH D030342.

Allele frequency attached by ClinVar (database versions not stated): gnomAD exomes below 0.00001; TOPMed 0.00001.
gnomAD v4.1: 1 of 1,595,832 alleles (0.000063%); highest among the groups gnomAD compares: African/African-American, 0.0014%; no homozygotes.

Submission:

Ambry Genetics
Classification: Uncertain significance for Inborn genetic diseases. Last evaluated: 2023-06-01. Review status: criteria provided, single submitter. Criteria: Ambry Variant Classification Scheme 2023. Collection method: clinical testing. Allele origin: germline.
Comment: The p.P18S variant (also known as c.52C>T), located in coding exon 1 of the PIK3CA gene, results from a C to T substitution at nucleotide position 52. The proline at codon 18 is replaced by serine, an amino acid with similar properties. This amino acid position is conserved. In addition, the in silico prediction for this alteration is inconclusive. Since supporting evidence is limited at this time, the clinical significance of this alteration remains unclear.